The following is an entry in ClinVar:

ClinVar aggregate classification (germline): Likely benign. Review status: criteria provided, single submitter (1 of 4 stars). 2 submissions from 2 submitters: Likely benign (1). 1 of the submissions does not count toward it. Last evaluated 2026-01-09.

Conditions:
TAPT1-related disorder. Also called: TAPT1-related condition.

Allele frequency attached by ClinVar (database versions not stated): ESP Exome Variant Server 0.00016; gnomAD 0.00017; TOPMed 0.00018; ExAC 0.00020; gnomAD exomes 0.00030.
gnomAD v4.1: 258 of 1,613,956 alleles (0.016%); highest among the groups gnomAD compares: South Asian, 0.0066%; no homozygotes.

Submissions (2):

Labcorp Genetics (formerly Invitae), Labcorp
Classification: Likely benign. Last evaluated: 2026-01-09. Review status: criteria provided, single submitter. Criteria: Invitae Variant Classification Sherloc (09022015). Collection method: clinical testing. Allele origin: germline.

PreventionGenetics, part of Exact Sciences
Classification: Likely benign for TAPT1-related condition. Last evaluated: 2020-11-30. Review status: no assertion criteria provided. Collection method: clinical testing. Allele origin: germline. Not counted in ClinVar's aggregate classification.
Comment: This variant is classified as likely benign based on ACMG/AMP sequence variant interpretation guidelines (Richards et al. 2015 PMID: 25741868, with internal and published modifications).

NM_153365.3(TAPT1):c.1413C>T (p.Pro471=)

Gene: TAPT1 (transmembrane anterior posterior transformation 1; minus strand). Cytogenetic location: 4p15.32.
Variant type: single nucleotide variant.
Coding change: c.1413C>T on transcript NM_153365.3 (MANE Select); coding-DNA position 1413, C replaced by T.
Protein change: p.Pro471=; no amino-acid change (proline 471 retained).
Molecular consequence: synonymous variant.
Genome position (GRCh38, 1-based): chr4:16,166,694, G>A on the plus strand (C>T on the coding strand, the complement: TAPT1 is on the minus strand). VCF-style: chr4-16166694-G-A. GRCh37 (hg19) VCF-style: chr4-16168317-G-A.
Identifiers: ClinVar variation 781846 (VCV000781846.11), dbSNP rs200861922, ClinGen allele CA2867288.